The following is an entry in ClinVar:

ClinVar aggregate classification (germline): Conflicting classifications of pathogenicity. Review status: criteria provided, conflicting classifications (1 of 4 stars). 4 submissions from 4 submitters: Uncertain significance (3); Likely benign (1). Last evaluated 2024-10-04.

Conditions:
Brugada syndrome. Also called: Sudden unexpected nocturnal death syndrome; Sudden Unexplained Death Syndrome; Sudden Unexplained Nocturnal Death Syndrome (SUNDS); Sudden unexplained nocturnal death syndrome. Identifiers: Orphanet 130, MedGen C1142166, MONDO:0015263.
Cardiovascular phenotype. Identifiers: MedGen CN230736.
Episodic pain syndrome, familial, 2 (FEPS2). Identifiers: Orphanet 306577, MedGen C3809893, MONDO:0014246, OMIM 615551.

Allele frequency attached by ClinVar (database versions not stated): gnomAD 0.00002 and 0.00006; TOPMed 0.00002; 1000 Genomes Project 30x 0.00031; 1000 Genomes Project 0.00040.
gnomAD v4.1: 45 of 1,614,084 alleles (0.0028%); highest among the groups gnomAD compares: South Asian, 0.04%; no homozygotes.

Submissions (4):

Labcorp Genetics (formerly Invitae), Labcorp
Classification: Uncertain significance for Brugada syndrome. Last evaluated: 2024-10-04. Review status: criteria provided, single submitter. Criteria: Invitae Variant Classification Sherloc (09022015). Collection method: clinical testing. Allele origin: germline.
Comment: This sequence change replaces alanine, which is neutral and non-polar, with aspartic acid, which is acidic and polar, at codon 168 of the SCN10A protein (p.Ala168Asp). This variant is present in population databases (rs558639346, gnomAD 0.05%). This variant has not been reported in the literature in individuals affected with SCN10A-related conditions. ClinVar contains an entry for this variant (Variation ID: 941173). Invitae Evidence Modeling of protein sequence and biophysical properties (such as structural, functional, and spatial information, amino acid conservation, physicochemical variation, residue mobility, and thermodynamic stability) indicates that this missense variant is expected to disrupt SCN10A protein function with a positive predictive value of 80%. In summary, the available evidence is currently insufficient to determine the role of this variant in disease. Therefore, it has been classified as a Variant of Uncertain Significance.

Ambry Genetics
Classification: Likely benign for Cardiovascular phenotype. Last evaluated: 2024-09-03. Review status: criteria provided, single submitter. Criteria: Ambry Variant Classification Scheme 2023. Collection method: clinical testing. Allele origin: germline.

Department of Pathology and Laboratory Medicine, Sinai Health System
Classification: Uncertain significance for Episodic pain syndrome, familial, 2. Last evaluated: 2021-12-13. Review status: criteria provided, single submitter. Criteria: ACMG Guidelines, 2015. Collection method: research. Allele origin: germline.

Revvity Omics, Revvity
Classification: Uncertain significance for Episodic pain syndrome, familial, 2. Last evaluated: 2019-05-08. Review status: criteria provided, single submitter. Criteria: ACMG Guidelines, 2015. Collection method: clinical testing. Allele origin: germline.

NM_006514.4(SCN10A):c.503C>A (p.Ala168Asp)

Gene: SCN10A (sodium voltage-gated channel alpha subunit 10; minus strand). Cytogenetic location: 3p22.2.
Variant type: single nucleotide variant.
Coding change: c.503C>A on transcript NM_006514.4 (MANE Select); coding-DNA position 503, C replaced by A.
Protein change: p.Ala168Asp; replaces alanine 168 with aspartic acid.
Molecular consequence: missense variant.
Genome position (GRCh38, 1-based): chr3:38,771,375, G>T on the plus strand (C>A on the coding strand, the complement: SCN10A is on the minus strand). VCF-style: chr3-38771375-G-T. GRCh37 (hg19) VCF-style: chr3-38812866-G-T.
Other names: c.503C>A (NM_006514.2); c.503C>A, p.Ala168Asp (NM_001293306.2, NM_001293307.2); short protein forms A168D.
Identifiers: ClinVar variation 941173 (VCV000941173.11), dbSNP rs558639346, ClinGen allele CA2321178.
Genomic context (GRCh38, chr3:38,771,375, plus strand): 5'-GGATCTCTCAGGTACGTGAACTCATTTAGACAAAATCCTCTTGCCAGTATCTTTATCAAG[G>T]CTTCAAAGGTGTAAATGACAGTGAAGACATATCTGGGAAGGAGGGTAGAAAAGGAGTGTC-3'
Protein context (NP_006505.4, residues 158-178): YVFTVIYTFE[Ala168Asp]LIKILARGFC